The following is an entry in ClinVar:

ClinVar aggregate classification (germline): Uncertain significance (1 of 4 stars; one submission).

Submission:

Ambry Genetics
Classification: Uncertain significance. Last evaluated: 2024-11-02. Review status: criteria provided, single submitter. Criteria: Ambry Variant Classification Scheme 2023. Collection method: clinical testing. Allele origin: germline.
Comment: The p.S1542C variant (also known as c.4625C>G), located in coding exon 36 of the PRKDC gene, results from a C to G substitution at nucleotide position 4625. The serine at codon 1542 is replaced by cysteine, an amino acid with dissimilar properties. This amino acid position is conserved. Based on the available evidence, the clinical significance of this variant remains unclear.

NM_006904.7(PRKDC):c.4625C>G (p.Ser1542Cys)

Gene: PRKDC (protein kinase, DNA-activated, catalytic subunit; minus strand). Cytogenetic location: 8q11.21.
Variant type: single nucleotide variant.
Coding change: c.4625C>G on transcript NM_006904.7 (MANE Select); coding-DNA position 4625, C replaced by G.
Protein change: p.Ser1542Cys; replaces serine 1542 with cysteine.
Molecular consequence: missense variant.
Genome position (GRCh38, 1-based): chr8:47,886,095, G>C on the plus strand (C>G on the coding strand, the complement: PRKDC is on the minus strand). VCF-style: chr8-47886095-G-C. GRCh37 (hg19) VCF-style: chr8-48798656-G-C.
Other names: c.4625C>G, p.Ser1542Cys (NM_001081640.2); short protein forms S1542C.
Identifiers: ClinVar variation 3425206 (VCV003425206.1).